The following is an entry in ClinVar:

NM_005751.5(AKAP9):c.1223A>G (p.Asn408Ser)

Gene: AKAP9 (A-kinase anchoring protein 9; plus strand). Cytogenetic location: 7q21.2.
Variant type: single nucleotide variant.
Coding change: c.1223A>G on transcript NM_005751.5 (MANE Select); coding-DNA position 1223, A replaced by G.
Protein change: p.Asn408Ser; replaces asparagine 408 with serine.
Molecular consequence: missense variant.
Genome position (GRCh38, 1-based): chr7:92,001,140, A>G. VCF-style: chr7-92001140-A-G. GRCh37 (hg19) VCF-style: chr7-91630454-A-G.
Other names: p.N408S:AAT>AGT; c.1223A>G, p.Asn408Ser (NM_147185.3); short protein forms N408S.
Identifiers: ClinVar variation 190504 (VCV000190504.1), dbSNP rs761210281, ClinGen allele CA300657.

ClinVar aggregate classification (germline): Likely benign (1 of 4 stars; one submission).

gnomAD v4.1: 1 of 1,614,094 alleles (0.000062%); no homozygotes.

Submission:

GeneDx
Classification: Likely benign. Last evaluated: 2011-08-10. Review status: criteria provided, single submitter. Criteria: GeneDx Variant Classification (06012015). Collection method: clinical testing. Allele origin: germline. Affected: yes.
Comment: This variant is considered likely benign or benign based on one or more of the following criteria: it is a conservative change, it occurs at a poorly conserved position in the protein, it is predicted to be benign by multiple in silico algorithms, and/or has population frequency not consistent with disease.